The following is an entry in ClinVar:

ClinVar aggregate classification (germline): Benign/Likely benign. Review status: criteria provided, multiple submitters, no conflicts (2 of 4 stars). 6 submissions from 6 submitters: Benign (2); Likely benign (4). Last evaluated 2026-04-22.

Conditions:
Renal cell carcinoma. Identifiers: Orphanet 217071, MedGen C0007134, MeSH D002292, MONDO:0005086, HP:0005584.
MET-related disorder. Also called: MET-related condition.
Hereditary cancer-predisposing syndrome. Also called: Neoplastic Syndromes, Hereditary; Tumor predisposition; Hereditary Cancer Syndrome; Hereditary neoplastic syndrome. Identifiers: Orphanet 140162, MedGen C0027672, MeSH D009386, MONDO:0015356.
Papillary renal cell carcinoma type 1 (RCCP1). Also called: Renal adenocarcinoma; Renal cell carcinoma 1; Renal cell carcinoma, somatic; RENAL CELL CARCINOMA, PAPILLARY, 1, SOMATIC. Identifiers: Orphanet 47044, MedGen C1336839, OMIM 605074, HP:0011797.

Allele frequency attached by ClinVar (database versions not stated): gnomAD below 0.00001 and 0.00003; TOPMed 0.00004; ExAC 0.00023.
gnomAD v4.1: 142 of 1,613,982 alleles (0.0088%); highest among the groups gnomAD compares: South Asian, 0.13%; 1 homozygote.

Submissions (6):

PreventionGenetics, part of Exact Sciences
Classification: Likely benign for MET-related condition. Last evaluated: 2026-04-22. Review status: criteria provided, single submitter. Criteria: ACMG Guidelines, 2015. Collection method: clinical testing. Allele origin: germline.
Comment: This variant is classified as likely benign based on ACMG/AMP sequence variant interpretation guidelines (Richards et al. 2015 PMID: 25741868, with internal and published modifications).

Labcorp Genetics (formerly Invitae), Labcorp
Classification: Benign for Renal cell carcinoma. Last evaluated: 2026-01-12. Review status: criteria provided, single submitter. Criteria: Invitae Variant Classification Sherloc (09022015). Collection method: clinical testing. Allele origin: germline.

Myriad Genetics, Inc.
Classification: Benign for Papillary renal cell carcinoma type 1. Last evaluated: 2024-11-06. Review status: criteria provided, single submitter. Criteria: Myriad Autosomal Dominant, Autosomal Recessive and X-Linked Classification Criteria (2023). Collection method: clinical testing. Allele origin: unknown.
Comment: This variant is considered benign. This variant is a silent/synonymous amino acid change and it is not expected to impact splicing.

Blueprint Genetics
Classification: Likely benign. Last evaluated: 2024-04-20. Review status: criteria provided, single submitter. Criteria: ACMG Guidelines, 2015. Collection method: clinical testing. Allele origin: germline.

Sema4
Classification: Likely benign for Hereditary cancer-predisposing syndrome. Last evaluated: 2021-09-10. Review status: criteria provided, single submitter. Criteria: Sema4 Curation Guidelines. Collection method: curation. Allele origin: germline.

Ambry Genetics
Classification: Likely benign for Hereditary cancer-predisposing syndrome. Last evaluated: 2016-06-15. Review status: criteria provided, single submitter. Criteria: Ambry Variant Classification Scheme 2023. Collection method: clinical testing. Allele origin: germline.

NM_000245.4(MET):c.468G>A (p.Ser156=)

Gene: MET (MET proto-oncogene, receptor tyrosine kinase; plus strand). Cytogenetic location: 7q31.2.
Variant type: single nucleotide variant.
Coding change: c.468G>A on transcript NM_000245.4 (MANE Select); coding-DNA position 468, G replaced by A.
Protein change: p.Ser156=; no amino-acid change (serine 156 retained).
Molecular consequence: synonymous variant. On other transcripts: intron variant (1).
Genome position (GRCh38, 1-based): chr7:116,699,552, G>A. VCF-style: chr7-116699552-G-A. GRCh37 (hg19) VCF-style: chr7-116339606-G-A.
Other names: c.468G>A, p.Ser156= (NM_001127500.3, NM_001324401.3); c.-91+26975G>A (NM_001324402.2); c.468G>A (NM_001127500.2).
Identifiers: ClinVar variation 215486 (VCV000215486.20), dbSNP rs576502224, ClinGen allele CA336916.
Genomic context (GRCh38, chr7:116,699,552, plus strand): 5'-CAACAGAGGGACCTGCCAGCGACATGTCTTTCCCCACAATCATACTGCTGACATACAGTC[G>A]GAGGTTCACTGCATATTCTCCCCACAGATAGAAGAGCCCAGCCAGTGTCCTGACTGTGTG-3'
Protein context (NP_000236.2, residues 146-166): FPHNHTADIQ[Ser156=]EVHCIFSPQI